The following is an entry in ClinVar:

ClinVar aggregate classification (germline): Uncertain significance (1 of 4 stars; one submission).

Conditions:
Infantile spasms. Also called: Infantile spasm. Identifiers: MedGen C3887898, HP:0012469.

Allele frequency attached by ClinVar (database versions not stated): gnomAD 0.00001.
gnomAD v4.1: 1 of 1,613,886 alleles (0.000062%); highest among the groups gnomAD compares: Admixed American, 0.0017%; no homozygotes.

Submission:

Labcorp Genetics (formerly Invitae), Labcorp
Classification: Uncertain significance for Infantile spasms. Last evaluated: 2021-12-08. Review status: criteria provided, single submitter. Criteria: Invitae Variant Classification Sherloc (09022015). Collection method: clinical testing. Allele origin: germline.
Comment: This sequence change replaces valine, which is neutral and non-polar, with alanine, which is neutral and non-polar, at codon 689 of the PIK3AP1 protein (p.Val689Ala). This variant is not present in population databases (gnomAD no frequency). This variant has not been reported in the literature in individuals affected with PIK3AP1-related conditions. ClinVar contains an entry for this variant (Variation ID: 1016037). Algorithms developed to predict the effect of missense changes on protein structure and function (SIFT, PolyPhen-2, Align-GVGD) all suggest that this variant is likely to be tolerated. In summary, the available evidence is currently insufficient to determine the role of this variant in disease. Therefore, it has been classified as a Variant of Uncertain Significance.

NM_152309.3(PIK3AP1):c.2066T>C (p.Val689Ala)

Gene: PIK3AP1 (phosphoinositide-3-kinase adaptor protein 1; minus strand). Cytogenetic location: 10q24.1.
Variant type: single nucleotide variant.
Coding change: c.2066T>C on transcript NM_152309.3 (MANE Select); coding-DNA position 2066, T replaced by C.
Protein change: p.Val689Ala; replaces valine 689 with alanine.
Molecular consequence: missense variant.
Genome position (GRCh38, 1-based): chr10:96,609,816, A>G on the plus strand (T>C on the coding strand, the complement: PIK3AP1 is on the minus strand). VCF-style: chr10-96609816-A-G. GRCh37 (hg19) VCF-style: chr10-98369573-A-G.
Other names: short protein forms V689A.
Identifiers: ClinVar variation 1016037 (VCV001016037.6), dbSNP rs1849075736, ClinGen allele CA377752677.